The following is an entry in ClinVar:

ClinVar aggregate classification (germline): Uncertain significance (1 of 4 stars; one submission).

Allele frequency attached by ClinVar (database versions not stated): gnomAD exomes 0.00001; ExAC 0.00002.
gnomAD v4.1: 10 of 1,614,062 alleles (0.00062%); highest among the groups gnomAD compares: Admixed American, 0.0017%; no homozygotes.

Submission:

Labcorp Genetics (formerly Invitae), Labcorp
Classification: Uncertain significance. Last evaluated: 2022-03-11. Review status: criteria provided, single submitter. Criteria: Invitae Variant Classification Sherloc (09022015). Collection method: clinical testing. Allele origin: germline.
Comment: This sequence change replaces arginine, which is basic and polar, with cysteine, which is neutral and slightly polar, at codon 1427 of the RUSC2 protein (p.Arg1427Cys). This variant is present in population databases (rs748997926, gnomAD 0.004%). This variant has not been reported in the literature in individuals affected with RUSC2-related conditions. Algorithms developed to predict the effect of missense changes on protein structure and function are either unavailable or do not agree on the potential impact of this missense change (SIFT: "Deleterious"; PolyPhen-2: "Possibly Damaging"; Align-GVGD: "Class C0"). In summary, the available evidence is currently insufficient to determine the role of this variant in disease. Therefore, it has been classified as a Variant of Uncertain Significance.

NM_014806.5(RUSC2):c.4279C>T (p.Arg1427Cys)

Gene: RUSC2 (RUN and SH3 domain containing 2; plus strand). Cytogenetic location: 9p13.3.
Variant type: single nucleotide variant.
Coding change: c.4279C>T on transcript NM_014806.5 (MANE Select); coding-DNA position 4279, C replaced by T.
Protein change: p.Arg1427Cys; replaces arginine 1427 with cysteine.
Molecular consequence: missense variant. On other transcripts: non-coding transcript variant (1).
Genome position (GRCh38, 1-based): chr9:35,561,027, C>T. VCF-style: chr9-35561027-C-T. GRCh37 (hg19) VCF-style: chr9-35561024-C-T.
Other names: c.4279C>T, p.Arg1427Cys (NM_001135999.2); c.1645C>T, p.Arg549Cys (NM_001330740.2); short protein forms R549C, R1427C.
Identifiers: ClinVar variation 1383459 (VCV001383459.3), dbSNP rs748997926, ClinGen allele CA5044345.